The following is an entry in ClinVar:

ClinVar aggregate classification (germline): Uncertain significance (1 of 4 stars; one submission).

Conditions:
Nemaline myopathy 9 (NEM9). Identifiers: MedGen C3810384, MONDO:0014326, OMIM 615731.

Allele frequency attached by ClinVar (database versions not stated): TOPMed below 0.00001; ExAC 0.00001.

Submission:

Labcorp Genetics (formerly Invitae), Labcorp
Classification: Uncertain significance for Nemaline myopathy 9. Last evaluated: 2024-10-15. Review status: criteria provided, single submitter. Criteria: Invitae Variant Classification Sherloc (09022015). Collection method: clinical testing. Allele origin: germline.
Comment: This sequence change replaces proline, which is neutral and non-polar, with serine, which is neutral and polar, at codon 480 of the KLHL41 protein (p.Pro480Ser). This variant is not present in population databases (gnomAD no frequency). This variant has not been reported in the literature in individuals affected with KLHL41-related conditions. ClinVar contains an entry for this variant (Variation ID: 1956127). Invitae Evidence Modeling of protein sequence and biophysical properties (such as structural, functional, and spatial information, amino acid conservation, physicochemical variation, residue mobility, and thermodynamic stability) indicates that this missense variant is not expected to disrupt KLHL41 protein function with a negative predictive value of 80%. In summary, the available evidence is currently insufficient to determine the role of this variant in disease. Therefore, it has been classified as a Variant of Uncertain Significance.

NM_006063.3(KLHL41):c.1438C>T (p.Pro480Ser)

Gene: KLHL41 (kelch like family member 41; plus strand). Cytogenetic location: 2q31.1.
Variant type: single nucleotide variant.
Coding change: c.1438C>T on transcript NM_006063.3 (MANE Select); coding-DNA position 1438, C replaced by T.
Protein change: p.Pro480Ser; replaces proline 480 with serine.
Molecular consequence: missense variant.
Genome position (GRCh38, 1-based): chr2:169,518,251, C>T. VCF-style: chr2-169518251-C-T. GRCh37 (hg19) VCF-style: chr2-170374761-C-T.
Other names: short protein forms P480S.
Identifiers: ClinVar variation 1956127 (VCV001956127.5), dbSNP rs762980013, ClinGen allele CA1956684.